The following is an entry in ClinVar:

NM_000535.7(PMS2):c.1476G>T (p.Lys492Asn)

Gene: PMS2 (PMS1 homolog 2, mismatch repair system component; minus strand). Cytogenetic location: 7p22.1.
Variant type: single nucleotide variant.
Coding change: c.1476G>T on transcript NM_000535.7 (MANE Select); coding-DNA position 1476, G replaced by T.
Protein change: p.Lys492Asn; replaces lysine 492 with asparagine.
Molecular consequence: missense variant. On other transcripts: non-coding transcript variant (1).
Genome position (GRCh38, 1-based): chr7:5,987,289, C>A on the plus strand (G>T on the coding strand, the complement: PMS2 is on the minus strand). VCF-style: chr7-5987289-C-A. GRCh37 (hg19) VCF-style: chr7-6026920-C-A.
Other names: c.1071G>T, p.Lys357Asn (NM_001322003.2, NM_001322004.2, NM_001322005.2 and 1 more transcripts); c.1320G>T, p.Lys440Asn (NM_001322006.2); c.1158G>T, p.Lys386Asn (NM_001322007.2, NM_001322008.2); c.915G>T, p.Lys305Asn (NM_001322010.2); c.543G>T, p.Lys181Asn (NM_001322011.2, NM_001322012.2); c.903G>T, p.Lys301Asn (NM_001322013.2); c.1476G>T, p.Lys492Asn (NM_001322014.2); c.1167G>T, p.Lys389Asn (NM_001322015.2); short protein forms K301N, K305N, K440N, K181N, K389N, K492N, K357N, K386N.
Identifiers: ClinVar variation 1037288 (VCV001037288.8), dbSNP rs766309532, ClinGen allele CA366741846.

ClinVar aggregate classification (germline): Uncertain significance (1 of 4 stars; one submission).

Conditions:
Hereditary nonpolyposis colorectal neoplasms. Identifiers: MedGen C0009405, MeSH D003123.

Submission:

Labcorp Genetics (formerly Invitae), Labcorp
Classification: Uncertain significance for Hereditary nonpolyposis colorectal neoplasms. Last evaluated: 2020-06-17. Review status: criteria provided, single submitter. Criteria: Invitae Variant Classification Sherloc (09022015). Collection method: clinical testing. Allele origin: germline.
Comment: In summary, the available evidence is currently insufficient to determine the role of this variant in disease. Therefore, it has been classified as a Variant of Uncertain Significance. Algorithms developed to predict the effect of missense changes on protein structure and function (SIFT, PolyPhen-2, Align-GVGD) all suggest that this variant is likely to be tolerated, but these predictions have not been confirmed by published functional studies and their clinical significance is uncertain. This variant has not been reported in the literature in individuals with PMS2-related conditions. This variant is not present in population databases (ExAC no frequency). This sequence change replaces lysine with asparagine at codon 492 of the PMS2 protein (p.Lys492Asn). The lysine residue is weakly conserved and there is a moderate physicochemical difference between lysine and asparagine.